The following is an entry in ClinVar:

NM_053025.4(MYLK):c.3466T>C (p.Ser1156Pro)

Gene: MYLK (myosin light chain kinase; minus strand). Cytogenetic location: 3q21.1.
Variant type: single nucleotide variant.
Coding change: c.3466T>C on transcript NM_053025.4 (MANE Select); coding-DNA position 3466, T replaced by C.
Protein change: p.Ser1156Pro; replaces serine 1156 with proline.
Molecular consequence: missense variant.
Genome position (GRCh38, 1-based): chr3:123,692,834, A>G on the plus strand (T>C on the coding strand, the complement: MYLK is on the minus strand). VCF-style: chr3-123692834-A-G. GRCh37 (hg19) VCF-style: chr3-123411681-A-G.
Other names: c.2938T>C, p.Ser980Pro (NM_001321309.2); c.3259T>C, p.Ser1087Pro (NM_053026.4, NM_053028.4); c.3466T>C, p.Ser1156Pro (NM_053027.4); short protein forms S1156P, S1087P, S980P.
Identifiers: ClinVar variation 3297607 (VCV003297607.1).

ClinVar aggregate classification (germline): Uncertain significance (1 of 4 stars; one submission).

Conditions:
Familial thoracic aortic aneurysm and aortic dissection (TAAD). Also called: Thoracic aortic aneurysms and dissections. Identifiers: Orphanet 91387, MedGen C4707243, MONDO:0019625.

Submission:

Ambry Genetics
Classification: Uncertain significance for Familial thoracic aortic aneurysm and aortic dissection. Last evaluated: 2024-05-11. Review status: criteria provided, single submitter. Criteria: Ambry Variant Classification Scheme 2023. Collection method: clinical testing. Allele origin: germline.
Comment: The p.S1156P variant (also known as c.3466T>C), located in coding exon 16 of the MYLK gene, results from a T to C substitution at nucleotide position 3466. The serine at codon 1156 is replaced by proline, an amino acid with similar properties. This amino acid position is conserved. In addition, the in silico prediction for this alteration is inconclusive. Based on the available evidence, the clinical significance of this variant remains unclear.